The following is an entry in ClinVar:

ClinVar aggregate classification (germline): Likely benign. Review status: criteria provided, single submitter (1 of 4 stars). 2 submissions from 2 submitters: Likely benign (1). 1 of the submissions does not count toward it. Last evaluated 2020-10-15.

Submissions (2):

Women's Health and Genetics/Laboratory Corporation of America, LabCorp
Classification: Likely benign. Last evaluated: 2020-10-15. Review status: criteria provided, single submitter. Criteria: LabCorp Variant Classification Summary - May 2015. Collection method: clinical testing. Allele origin: germline.
Comment: Variant summary: MSH6 c.4001+49_4001+50ins21 is located at a position not widely known to affect splicing. 4/4 computational tools predict no significant impact on normal splicing. However, these predictions have yet to be confirmed by functional studies. The variant was absent in 234894 control chromosomes. The available data on variant occurrences in the general population are insufficient to allow any conclusion about variant significance. To our knowledge, no occurrence of c.4001+49_4001+50ins21 in individuals affected with Hereditary Nonpolyposis Colorectal Cancer and no experimental evidence demonstrating its impact on protein function have been reported. No clinical diagnostic laboratories have submitted clinical-significance assessments for this variant to ClinVar after 2014. Based on the evidence outlined above, the variant was classified as likely benign.

Mayo Clinic Laboratories, Mayo Clinic
Classification: Likely benign. Review status: no assertion criteria provided. Collection method: research. Allele origin: unknown. Observed: 1 variant allele. Not counted in ClinVar's aggregate classification.

NM_000179.3(MSH6):c.4001+49_4001+50insCTAACTGACCTTAAGTTTCAA

Gene: MSH6 (mutS homolog 6; plus strand). Cytogenetic location: 2p16.3.
Variant type: Insertion.
Coding change: c.4001+49_4001+50insCTAACTGACCTTAAGTTTCAA on transcript NM_000179.3 (MANE Select); bases 49 to 50 of the intron after coding-DNA position 4001, CTAACTGACCTTAAGTTTCAA inserted.
Molecular consequence: intron variant.
Genome position: GRCh38 VCF-style: chr2-47806699-C-CACTAACTGACCTTAAGTTTCA. GRCh37 (hg19) VCF-style: chr2-48033838-C-CACTAACTGACCTTAAGTTTCA.
Other names: c.3095+49_3095+50insCTAACTGACCTTAAGTTTCAA (NM_001281493.2, NM_001281494.2); c.3611+49_3611+50insCTAACTGACCTTAAGTTTCAA (NM_001281492.2).
Identifiers: ClinVar variation 218077 (VCV000218077.6), dbSNP rs863225419, ClinGen allele CA279828.